The following is an entry in ClinVar:

ClinVar aggregate classification (germline): Uncertain significance. Review status: criteria provided, single submitter (1 of 4 stars). 2 submissions from 2 submitters: Uncertain significance (1). 1 of the submissions does not count toward it. Last evaluated 2017-09-01.

Conditions:
Intellectual disability, autosomal dominant 24 (VSVS). Also called: VULTO-VAN SILFHOUT-DE VRIES SYNDROME. Identifiers: MedGen C4014414, MONDO:0014357, OMIM 615828.

Submissions (2):

Baylor Genetics
Classification: Uncertain significance for Intellectual disability, autosomal dominant 24. Last evaluated: 2017-09-01. Review status: criteria provided, single submitter. Criteria: ACMG Guidelines, 2015. Collection method: clinical testing. Allele origin: de novo. Inheritance: Autosomal dominant inheritance. Affected: yes.

OMIM
Classification: Pathogenic for VULTO-VAN SILFHOUT-DE VRIES SYNDROME. Last evaluated: 2014-05-01. Review status: no assertion criteria provided. Collection method: literature only. Allele origin: germline. Not counted in ClinVar's aggregate classification.

Literature cited by the submitters: PubMed 23020937 (cited by Baylor Genetics and OMIM); PubMed 28940898 (cited by Baylor Genetics and OMIM); PubMed 25326635 (cited by Baylor Genetics); PubMed 24726472 (cited by OMIM); PubMed 30923367 (cited by OMIM).

NM_021008.4(DEAF1):c.791A>C (p.Gln264Pro)

Gene: DEAF1 (DEAF1 transcription factor; minus strand). Cytogenetic location: 11p15.5.
Variant type: single nucleotide variant.
Coding change: c.791A>C on transcript NM_021008.4 (MANE Select); coding-DNA position 791, A replaced by C.
Protein change: p.Gln264Pro; replaces glutamine 264 with proline.
Molecular consequence: missense variant. On other transcripts: intron variant (1).
Genome position (GRCh38, 1-based): chr11:686,871, T>G on the plus strand (A>C on the coding strand, the complement: DEAF1 is on the minus strand). VCF-style: chr11-686871-T-G. GRCh37 (hg19) VCF-style: chr11-686871-T-G.
Other names: c.65A>C, p.Gln22Pro (NM_001367390.1, NM_001440885.1, NM_001440886.1 and 1 more transcripts); c.791A>C, p.Gln264Pro (NM_001440883.1, NM_001440884.1); c.664+1040A>C (NM_001293634.2); short protein forms Q264P, Q22P.
Identifiers: ClinVar variation 133292 (VCV000133292.4), dbSNP rs587777407, ClinGen allele CA156397.